The following is an entry in ClinVar:

NM_000094.4(COL7A1):c.926C>T (p.Ala309Val)

Gene: COL7A1 (collagen type VII alpha 1 chain; minus strand). Cytogenetic location: 3p21.31.
Variant type: single nucleotide variant.
Coding change: c.926C>T on transcript NM_000094.4 (MANE Select); coding-DNA position 926, C replaced by T.
Protein change: p.Ala309Val; replaces alanine 309 with valine.
Molecular consequence: missense variant.
Genome position (GRCh38, 1-based): chr3:48,592,620, G>A on the plus strand (C>T on the coding strand, the complement: COL7A1 is on the minus strand). VCF-style: chr3-48592620-G-A. GRCh37 (hg19) VCF-style: chr3-48630053-G-A.
Other names: short protein forms A309V.
Identifiers: ClinVar variation 2738088 (VCV002738088.3), dbSNP rs368642011, ClinGen allele CA73992874.

ClinVar aggregate classification (germline): Uncertain significance (1 of 4 stars; one submission).

Allele frequency attached by ClinVar (database versions not stated): gnomAD 0.00001; TOPMed below 0.00001; gnomAD exomes below 0.00001.
gnomAD v4.1: 6 of 1,613,876 alleles (0.00037%); highest among the groups gnomAD compares: Admixed American, 0.005%; no homozygotes.

Submission:

Labcorp Genetics (formerly Invitae), Labcorp
Classification: Uncertain significance. Last evaluated: 2025-05-14. Review status: criteria provided, single submitter. Criteria: Invitae Variant Classification Sherloc (09022015). Collection method: clinical testing. Allele origin: germline.
Comment: This sequence change replaces alanine, which is neutral and non-polar, with valine, which is neutral and non-polar, at codon 309 of the COL7A1 protein (p.Ala309Val). This variant is present in population databases (rs368642011, gnomAD 0.003%). This variant has not been reported in the literature in individuals affected with COL7A1-related conditions. ClinVar contains an entry for this variant (Variation ID: 2738088). Invitae Evidence Modeling of protein sequence and biophysical properties (such as structural, functional, and spatial information, amino acid conservation, physicochemical variation, residue mobility, and thermodynamic stability) has been performed for this missense variant. However, the output from this modeling did not meet the statistical confidence thresholds required to predict the impact of this variant on COL7A1 protein function. In summary, the available evidence is currently insufficient to determine the role of this variant in disease. Therefore, it has been classified as a Variant of Uncertain Significance.